The following is an entry in ClinVar:

NM_000553.6(WRN):c.3674C>A (p.Thr1225Lys)

Gene: WRN (WRN RecQ like helicase; plus strand). Cytogenetic location: 8p12.
Variant type: single nucleotide variant.
Coding change: c.3674C>A on transcript NM_000553.6 (MANE Select); coding-DNA position 3674, C replaced by A.
Protein change: p.Thr1225Lys; replaces threonine 1225 with lysine.
Molecular consequence: missense variant.
Genome position (GRCh38, 1-based): chr8:31,150,442, C>A. VCF-style: chr8-31150442-C-A. GRCh37 (hg19) VCF-style: chr8-31007958-C-A.
Other names: short protein forms T1225K.
Identifiers: ClinVar variation 1717006 (VCV001717006.5), dbSNP rs1803078140, ClinGen allele CA370928156.
Genomic context (GRCh38, chr8:31,150,442, plus strand): 5'-CTGAAGGCAAAGCTGCCATGTTGGCCCCTCTGTTGGAAGTCATCAAACATTTCTGCCAAA[C>A]AAATAGTGTTCAGGTAAAATACTGTGGTTTGCAGGAGCTCTTAGAGAATAAGCATTTTTT-3'
Protein context (NP_000544.2, residues 1215-1235): LLEVIKHFCQ[Thr1225Lys]NSVQTDLFSS

ClinVar aggregate classification (germline): Uncertain significance (1 of 4 stars; one submission).

Conditions:
Werner syndrome (WRN). Identifiers: Orphanet 902, MedGen C0043119, MONDO:0010196, OMIM 277700.

Submission:

Labcorp Genetics (formerly Invitae), Labcorp
Classification: Uncertain significance for Werner syndrome. Last evaluated: 2022-08-19. Review status: criteria provided, single submitter. Criteria: Invitae Variant Classification Sherloc (09022015). Collection method: clinical testing. Allele origin: germline.
Comment: This sequence change replaces threonine, which is neutral and polar, with lysine, which is basic and polar, at codon 1225 of the WRN protein (p.Thr1225Lys). This variant is not present in population databases (gnomAD no frequency). This variant has not been reported in the literature in individuals affected with WRN-related conditions. Algorithms developed to predict the effect of missense changes on protein structure and function are either unavailable or do not agree on the potential impact of this missense change (SIFT: "Not Available"; PolyPhen-2: "Benign"; Align-GVGD: "Not Available"). In summary, the available evidence is currently insufficient to determine the role of this variant in disease. Therefore, it has been classified as a Variant of Uncertain Significance.